The following is an entry in ClinVar:

NC_000015.9:g.(?_85360078)_(85411687_?)dup

Gene: ALPK3 (alpha kinase 3; plus strand). Cytogenetic location: 15q25.3.
Variant type: Duplication.
Identifiers: ClinVar variation 1450002 (VCV001450002.5).

ClinVar aggregate classification (germline): Uncertain significance (1 of 4 stars; one submission).

Submission:

Labcorp Genetics (formerly Invitae), Labcorp
Classification: Uncertain significance. Last evaluated: 2024-01-22. Review status: criteria provided, single submitter. Criteria: Invitae Variant Classification Sherloc (09022015). Collection method: clinical testing. Allele origin: germline.
Comment: A copy number gain of the genomic region encompassing the full coding sequence of the ALPK3 gene has been identified. The boundaries of this event are unknown as they extend beyond the assayed region for this gene and therefore may encompass additional genes. As the precise location of this event is unknown, it may be in tandem or it may be located elsewhere in the genome. This variant has not been reported in the literature in individuals affected with ALPK3-related conditions. In summary, the available evidence is currently insufficient to determine the role of this variant in disease. Therefore, it has been classified as a Variant of Uncertain Significance.